The following is an entry in ClinVar:

ClinVar aggregate classification (germline): Uncertain significance (1 of 4 stars; one submission).

Conditions:
ACVRL1-related disorder. Also called: ACVRL1-related disorders; ACVRL1-related condition.

gnomAD v4.1: 1 of 1,612,686 alleles (0.000062%); highest among the groups gnomAD compares: Admixed American, 0.0017%; no homozygotes.

Submission:

PreventionGenetics, part of Exact Sciences
Classification: Uncertain significance for ACVRL1-related condition. Last evaluated: 2026-07-08. Review status: criteria provided, single submitter. Criteria: ACMG Guidelines, 2015. Collection method: clinical testing. Allele origin: germline.
Comment: The ACVRL1 c.1063C>T variant is predicted to result in the amino acid substitution p.His355Tyr. To our knowledge, this variant has not been reported in the literature. This variant is reported in 0.0046% of alleles in individuals of European (Finnish) descent in gnomAD. At this time, the clinical significance of this variant is uncertain due to the absence of conclusive functional and genetic evidence.

NM_000020.3(ACVRL1):c.1063C>T (p.His355Tyr)

Gene: ACVRL1 (activin A receptor like type 1; plus strand). Cytogenetic location: 12q13.13.
Variant type: single nucleotide variant.
Coding change: c.1063C>T on transcript NM_000020.3 (MANE Select); coding-DNA position 1063, C replaced by T.
Protein change: p.His355Tyr; replaces histidine 355 with tyrosine.
Molecular consequence: missense variant. On other transcripts: intron variant (1).
Genome position (GRCh38, 1-based): chr12:51,916,050, C>T. VCF-style: chr12-51916050-C-T. GRCh37 (hg19) VCF-style: chr12-52309834-C-T.
Other names: c.1063C>T, p.His355Tyr (NM_001077401.2, NM_001406487.1, NM_001406488.1 and 1 more transcripts); c.751C>T, p.His251Tyr (NM_001406490.1, NM_001406491.1, NM_001406492.1 and 1 more transcripts); c.499C>T, p.His167Tyr (NM_001406495.1); c.736+550C>T (NM_001406494.1); short protein forms H355Y, H251Y, H167Y.
Identifiers: ClinVar variation 4991511 (VCV004991511.1).